The following is an entry in ClinVar:

NC_000010.11:g.(?_14945095)_(14954442_?)del

Genes: MEIG1 (meiosis/spermiogenesis associated 1; plus strand), DCLRE1C (DNA cross-link repair 1C; minus strand), LOC130003418 (ATAC-STARR-seq lymphoblastoid silent region 2165; plus strand). Cytogenetic location: 10p13.
Variant type: Deletion.
Identifiers: ClinVar variation 647472 (VCV000647472.3).

ClinVar aggregate classification (germline): Pathogenic (1 of 4 stars; one submission).

Conditions:
Severe combined immunodeficiency due to DCLRE1C deficiency (RS-SCID). Also called: SCID, AUTOSOMAL RECESSIVE, T CELL-NEGATIVE, B CELL-NEGATIVE, NK CELL-POSITIVE, WITH SENSITIVITY TO IONIZING RADIATION. Identifiers: Orphanet 275, MedGen C1865371, MONDO:0011225, OMIM 602450.

Submission:

Labcorp Genetics (formerly Invitae), Labcorp
Classification: Pathogenic for Athabaskan severe combined immunodeficiency. Last evaluated: 2022-10-25. Review status: criteria provided, single submitter. Criteria: Invitae Variant Classification Sherloc (09022015). Collection method: clinical testing. Allele origin: germline.
Comment: This variant is a gross deletion of the genomic region encompassing exon(s) 1-3 of the DCLRE1C gene, which includes the initiator codon. This deletion extends beyond the assayed region for this gene and therefore may encompass additional genes. It is expected to result in an absent or disrupted protein product. Loss-of-function variants in DCLRE1C are known to be pathogenic (PMID: 21664875, 26123418). A similar copy number variant has been observed in individuals with severe combined immunodeficiency (SCID) or Omenn syndrome (OS) (PMID: 19912631). For these reasons, this variant has been classified as Pathogenic.

Literature cited by the submitters: PubMed 21664875; PubMed 26123418; PubMed 19912631.